The following is an entry in ClinVar:

NM_020975.6(RET):c.607G>A (p.Ala203Thr)

Gene: RET (ret proto-oncogene; plus strand). Cytogenetic location: 10q11.21.
Variant type: single nucleotide variant.
Coding change: c.607G>A on transcript NM_020975.6 (MANE Select); coding-DNA position 607, G replaced by A.
Protein change: p.Ala203Thr; replaces alanine 203 with threonine.
Molecular consequence: missense variant.
Genome position (GRCh38, 1-based): chr10:43,102,611, G>A. VCF-style: chr10-43102611-G-A. GRCh37 (hg19) VCF-style: chr10-43598059-G-A.
Other names: c.607G>A, p.Ala203Thr (NM_000323.2, NM_001406743.1, NM_001406744.1 and 16 more transcripts); c.478G>A, p.Ala160Thr (NM_001406761.1, NM_001406762.1, NM_001406764.1 and 4 more transcripts); short protein forms A203T, A160T.
Identifiers: ClinVar variation 826172 (VCV000826172.15), dbSNP rs755007607, ClinGen allele CA044096.
Genomic context (GRCh38, chr10:43,102,611, plus strand): 5'-GGCACCTTCCACCAGTTCCGCCTGCTGCCTGTGCAGTTCTTGTGCCCCAACATCAGCGTG[G>A]CCTACAGGCTCCTGGAGGGTGAGTGCCGACCTTGTGGGGCCGCCCCACAGTGCCTGCTAC-3'
Protein context (NP_066124.1, residues 193-213): VQFLCPNISV[Ala203Thr]YRLLEGEGLP

ClinVar aggregate classification (germline): Conflicting classifications of pathogenicity. Review status: criteria provided, conflicting classifications (1 of 4 stars). 4 submissions from 4 submitters: Uncertain significance (3); Likely benign (1). Last evaluated 2024-05-14.

Conditions:
Multiple endocrine neoplasia, type 2 (MEN2). Identifiers: Orphanet 653, MedGen C4048306, MONDO:0019003. Disease mechanism: gain of function.
Hereditary cancer-predisposing syndrome. Also called: Neoplastic Syndromes, Hereditary; Tumor predisposition; Hereditary neoplastic syndrome; Hereditary Cancer Syndrome. Identifiers: Orphanet 140162, MedGen C0027672, MeSH D009386, MONDO:0015356.

Allele frequency attached by ClinVar (database versions not stated): ExAC 0.00001; gnomAD exomes 0.00001.
gnomAD v4.1: 2 of 1,614,120 alleles (0.00012%); highest among the groups gnomAD compares: Middle Eastern, 0.016%; no homozygotes.

Submissions (4):

All of Us Research Program, National Institutes of Health
Classification: Uncertain significance for Multiple endocrine neoplasia, type 2. Last evaluated: 2024-05-14. Review status: criteria provided, single submitter. Criteria: ACMG Guidelines, 2015. Collection method: clinical testing. Allele origin: germline. Inheritance: Autosomal dominant inheritance. Observed: 1 variant allele, 1 heterozygote.
Comment: This missense variant replaces alanine with threonine at codon 203 of the RET protein. Computational prediction suggests that this variant may not impact protein structure and function (internally defined REVEL score threshold <= 0.5, PMID: 27666373). To our knowledge, functional studies have not been reported for this variant. This variant has not been reported in individuals affected with RET-related disorders in the literature. This variant has been identified in 2/251160 chromosomes in the general population by the Genome Aggregation Database (gnomAD). The available evidence is insufficient to determine the role of this variant in disease conclusively. Therefore, this variant is classified as a Variant of Uncertain Significance.

This study involves interpretation of variants in research participants for the purpose of population health screening. Participant phenotype was not available at the time of variant classification. Additional details can be found in publication PMID: 35346344, PMCID: PMC8962531

Color Diagnostics, LLC DBA Color Health
Classification: Uncertain significance for Multiple endocrine neoplasia, type 2. Last evaluated: 2024-04-23. Review status: criteria provided, single submitter. Criteria: ACMG Guidelines, 2015. Collection method: clinical testing. Allele origin: germline.
Comment: This missense variant replaces alanine with threonine at codon 203 of the RET protein. Computational prediction suggests that this variant may not impact protein structure and function. To our knowledge, functional studies have not been reported for this variant. This variant has not been reported in individuals affected with RET-related disorders in the literature. This variant has been identified in 2/251160 chromosomes in the general population by the Genome Aggregation Database (gnomAD). The available evidence is insufficient to determine the role of this variant in disease conclusively. Therefore, this variant is classified as a Variant of Uncertain Significance.

Labcorp Genetics (formerly Invitae), Labcorp
Classification: Uncertain significance for Multiple endocrine neoplasia, type 2. Last evaluated: 2023-12-31. Review status: criteria provided, single submitter. Criteria: Invitae Variant Classification Sherloc (09022015). Collection method: clinical testing. Allele origin: germline.
Comment: This sequence change replaces alanine, which is neutral and non-polar, with threonine, which is neutral and polar, at codon 203 of the RET protein (p.Ala203Thr). This variant is present in population databases (rs755007607, gnomAD 0.0009%). This variant has not been reported in the literature in individuals affected with RET-related conditions. ClinVar contains an entry for this variant (Variation ID: 826172). Algorithms developed to predict the effect of missense changes on protein structure and function output the following: SIFT: "Not Available"; PolyPhen-2: "Benign"; Align-GVGD: "Not Available". The threonine amino acid residue is found in multiple mammalian species, which suggests that this missense change does not adversely affect protein function. In summary, the available evidence is currently insufficient to determine the role of this variant in disease. Therefore, it has been classified as a Variant of Uncertain Significance.

Ambry Genetics
Classification: Likely benign for Hereditary cancer-predisposing syndrome. Last evaluated: 2018-04-04. Review status: criteria provided, single submitter. Criteria: Ambry Variant Classification Scheme 2023. Collection method: clinical testing. Allele origin: germline.